The following is an entry in ClinVar:

ClinVar aggregate classification (germline): Likely benign (0 of 4 stars; one submission).

Conditions:
LMF1-related disorder. Also called: LMF1-related condition.

gnomAD v4.1: 6 of 1,553,162 alleles (0.00039%); highest among the groups gnomAD compares: African/African-American, 0.0081%; no homozygotes.

Submission:

PreventionGenetics, part of Exact Sciences
Classification: Likely benign for LMF1-related condition. Last evaluated: 2024-09-15. Review status: no assertion criteria provided. Collection method: clinical testing. Allele origin: germline.
Comment: This variant is classified as likely benign based on ACMG/AMP sequence variant interpretation guidelines (Richards et al. 2015 PMID: 25741868, with internal and published modifications).

NM_022773.4(LMF1):c.514+135A>T

Genes: LMF1 (lipase maturation factor 1; minus strand), LMF1-AS1 (LMF1 antisense RNA 1; plus strand). Cytogenetic location: 16p13.3.
Variant type: single nucleotide variant.
Coding change: c.514+135A>T on transcript NM_022773.4 (MANE Select); 135 bases into the intron after coding-DNA position 514, A replaced by T.
Molecular consequence: intron variant. On other transcripts: non-coding transcript variant (2), 5 prime UTR variant (1).
Genome position (GRCh38, 1-based): chr16:934,109, T>A on the plus strand (A>T on the coding strand, the complement: LMF1 is on the minus strand). VCF-style: chr16-934109-T-A. GRCh37 (hg19) VCF-style: chr16-984109-T-A.
Other names: c.-4A>T (NM_001352018.2); c.187+135A>T (NM_001352019.2); c.-290+135A>T (NM_001352017.2); c.514+135A>T (NM_001352020.1); c.-138+81A>T (NM_001352021.2).
Identifiers: ClinVar variation 3357156 (VCV003357156.1).
Genomic context (GRCh38, chr16:934,109, plus strand): 5'-AAGCCCAGGAGCTCCCACATCCAGGGAGGAGGCACGGATCAGATCACAAGCGCCCATCAC[T>A]GCCCTCCGTGCATACTGGGAAGGCTGATGGCAGAGGCTAAGGAAGGGGAGAGGCCAGGAA-3'